The following is an entry in ClinVar:

ClinVar aggregate classification (germline): Uncertain significance (0 of 4 stars; one submission).

Conditions:
PTCH1-related disorder. Also called: PTCH1-related disorders; PTCH1-related condition.

Submission:

PreventionGenetics, part of Exact Sciences
Classification: Uncertain significance for PTCH1-related condition. Last evaluated: 2023-12-06. Review status: no assertion criteria provided. Collection method: clinical testing. Allele origin: germline.
Comment: The PTCH1 c.668T>C variant is predicted to result in the amino acid substitution p.Leu223Pro. To our knowledge, this variant has not been reported in the literature or in a large population database, indicating this variant is rare. At this time, the clinical significance of this variant is uncertain due to the absence of conclusive functional and genetic evidence.

NM_000264.5(PTCH1):c.668T>C (p.Leu223Pro)

Gene: PTCH1 (patched 1; minus strand). Cytogenetic location: 9q22.32.
Variant type: single nucleotide variant.
Coding change: c.668T>C on transcript NM_000264.5 (MANE Select); coding-DNA position 668, T replaced by C.
Protein change: p.Leu223Pro; replaces leucine 223 with proline.
Molecular consequence: missense variant. On other transcripts: non-coding transcript variant (1).
Genome position (GRCh38, 1-based): chr9:95,482,027, A>G on the plus strand (T>C on the coding strand, the complement: PTCH1 is on the minus strand). VCF-style: chr9-95482027-A-G. GRCh37 (hg19) VCF-style: chr9-98244309-A-G.
Other names: c.470T>C, p.Leu157Pro (NM_001083602.3, NM_001354919.2); c.665T>C, p.Leu222Pro (NM_001083603.3); c.215T>C, p.Leu72Pro (NM_001083604.3, NM_001083605.3, NM_001083606.3 and 1 more transcripts); c.668T>C, p.Leu223Pro (NM_001354918.2); short protein forms L157P, L222P, L223P, L72P.
Identifiers: ClinVar variation 3061703 (VCV003061703.2), dbSNP rs2118466072, ClinGen allele CA374114962.
Genomic context (GRCh38, chr9:95,482,027, plus strand): 5'-GACTGTAATTTCGCCCCTTCCCAGAAGCAGTCCAAAGGTGTAATAATCAAACAAGGGTAA[A>G]GATATTCTATTATCTGTCAAAGTTAAAAAGAAGAGGCCATGCGTTAGGTTAAGGCACACT-3'
Protein context (NP_000255.2, residues 213-233): TGYMDQIIEY[Leu223Pro]YPCLIITPLD